The following is an entry in ClinVar:

ClinVar aggregate classification (germline): Uncertain significance (1 of 4 stars; one submission).

Conditions:
Hereditary cancer-predisposing syndrome. Also called: Neoplastic Syndromes, Hereditary; Tumor predisposition; Hereditary neoplastic syndrome; Hereditary Cancer Syndrome. Identifiers: Orphanet 140162, MedGen C0027672, MeSH D009386, MONDO:0015356.

Submission:

Ambry Genetics
Classification: Uncertain significance for Hereditary cancer-predisposing syndrome. Last evaluated: 2026-07-24. Review status: criteria provided, single submitter. Criteria: Ambry Variant Classification Scheme 2023. Collection method: clinical testing. Allele origin: germline.
Comment: The p.V34D variant (also known as c.101T>A), located in coding exon 1 of the STK11 gene, results from a T to A substitution at nucleotide position 101. The valine at codon 34 is replaced by aspartic acid, an amino acid with highly dissimilar properties. This amino acid position is conserved. In addition, the in silico prediction for this alteration is inconclusive. Based on the available evidence, the clinical significance of this variant remains unclear.

NM_000455.5(STK11):c.101T>A (p.Val34Asp)

Gene: STK11 (serine/threonine kinase 11; plus strand). Cytogenetic location: 19p13.3.
Variant type: single nucleotide variant.
Coding change: c.101T>A on transcript NM_000455.5 (MANE Select); coding-DNA position 101, T replaced by A.
Protein change: p.Val34Asp; replaces valine 34 with aspartic acid.
Molecular consequence: missense variant. On other transcripts: non-coding transcript variant (1).
Genome position (GRCh38, 1-based): chr19:1,207,014, T>A. VCF-style: chr19-1207014-T-A. GRCh37 (hg19) VCF-style: chr19-1207013-T-A.
Other names: c.101T>A, p.Val34Asp (NM_001407255.1); short protein forms V34D.
Identifiers: ClinVar variation 5030318 (VCV005030318.1).
Genomic context (GRCh38, chr19:1,207,014, plus strand): 5'-AGGGCGAGCTGATGTCGGTGGGTATGGACACGTTCATCCACCGCATCGACTCCACCGAGG[T>A]CATCTACCAGCCGCGCCGCAAGCGGGCCAAGCTCATCGGCAAGTACCTGATGGGGGACCT-3'
Protein context (NP_000446.1, residues 24-44): TFIHRIDSTE[Val34Asp]IYQPRRKRAK